The following is an entry in ClinVar:

ClinVar aggregate classification (germline): Uncertain significance (1 of 4 stars; one submission).

Submission:

GeneDx
Classification: Uncertain significance. Last evaluated: 2022-08-02. Review status: criteria provided, single submitter. Criteria: GeneDx Variant Classification Process June 2021. Collection method: clinical testing. Allele origin: germline. Affected: yes.
Comment: Not observed at significant frequency in large population cohorts (gnomAD); In silico analysis supports that this missense variant has a deleterious effect on protein structure/function; Has not been previously published as pathogenic or benign to our knowledge

NM_001374828.1(ARID1B):c.6560A>G (p.Gln2187Arg)

Gene: ARID1B (AT-rich interaction domain 1B; plus strand). Cytogenetic location: 6q25.3.
Variant type: single nucleotide variant.
Coding change: c.6560A>G on transcript NM_001374828.1 (MANE Select); coding-DNA position 6560, A replaced by G.
Protein change: p.Gln2187Arg; replaces glutamine 2187 with arginine.
Molecular consequence: missense variant.
Genome position (GRCh38, 1-based): chr6:157,207,332, A>G. VCF-style: chr6-157207332-A-G. GRCh37 (hg19) VCF-style: chr6-157528466-A-G.
Other names: c.6311A>G, p.Gln2104Arg (NM_001346813.1); c.4061A>G, p.Gln1354Arg (NM_001363725.2); c.6440A>G, p.Gln2147Arg (NM_001371656.1, NM_001374820.1); c.6401A>G, p.Gln2134Arg (NM_017519.3); c.6191A>G, p.Gln2064Arg (NM_020732.3); c.5978A>G, p.Gln1993Arg (NM_175863.2); short protein forms Q1354R, Q1993R, Q2064R, Q2104R, Q2134R, Q2147R, Q2187R.
Identifiers: ClinVar variation 2428883 (VCV002428883.2), dbSNP rs2538785543, ClinGen allele CA366248551.